The following is an entry in ClinVar:

NM_002444.3(MSN):c.13-1G>A

Gene: MSN (moesin; plus strand). Cytogenetic location: Xq12.
Variant type: single nucleotide variant.
Coding change: c.13-1G>A on transcript NM_002444.3 (MANE Select); the canonical splice acceptor site of the intron before coding-DNA position 13, G replaced by A.
Molecular consequence: splice acceptor variant.
Genome position (GRCh38, 1-based): chrX:65,716,817, G>A. VCF-style: chrX-65716817-G-A. GRCh37 (hg19) VCF-style: chrX-64936679-G-A.
Identifiers: ClinVar variation 2130284 (VCV002130284.5), dbSNP rs2522976500, ClinGen allele CA413414356.

ClinVar aggregate classification (germline): Likely pathogenic (1 of 4 stars; one submission).

Submissions (9):

Labcorp Genetics (formerly Invitae), Labcorp
Classification: Likely pathogenic. Last evaluated: 2025-02-10. Review status: criteria provided, single submitter. Criteria: Invitae Variant Classification Sherloc (09022015). Collection method: clinical testing. Allele origin: germline.
Comment: This sequence change affects an acceptor splice site in intron 1 of the MSN gene. It is expected to disrupt RNA splicing. Variants that disrupt the donor or acceptor splice site typically lead to a loss of protein function (PMID: 16199547), and loss-of-function variants in MSN are known to be pathogenic (PMID: 27405666). This variant is not present in population databases (gnomAD no frequency). This variant has not been reported in the literature in individuals affected with MSN-related conditions. ClinVar contains an entry for this variant (Variation ID: 2130284). Algorithms developed to predict the effect of sequence changes on RNA splicing suggest that this variant may disrupt the consensus splice site. In summary, the currently available evidence indicates that the variant is pathogenic, but additional data are needed to prove that conclusively. Therefore, this variant has been classified as Likely Pathogenic.

Dr. Peter K. Rogan Lab, Western University
No classification provided (evidence only). Condition: Ovarian serous cystadenocarcinoma. Review status: no classification provided. Collection method: in vitro. Allele origin: not applicable. Functional consequence: retained intron. Not counted in ClinVar's aggregate classification.

Dr. Peter K. Rogan Lab, Western University
No classification provided (evidence only). Condition: Ovarian serous cystadenocarcinoma. Review status: no classification provided. Collection method: in vitro. Allele origin: not applicable. Functional consequence: retained intron. Not counted in ClinVar's aggregate classification.

Dr. Peter K. Rogan Lab, Western University
No classification provided (evidence only). Condition: Ovarian serous cystadenocarcinoma. Review status: no classification provided. Collection method: in vitro. Allele origin: not applicable. Functional consequence: retained intron. Not counted in ClinVar's aggregate classification.

Dr. Peter K. Rogan Lab, Western University
No classification provided (evidence only). Condition: Ovarian serous cystadenocarcinoma. Review status: no classification provided. Collection method: in vitro. Allele origin: not applicable. Functional consequence: retained intron. Not counted in ClinVar's aggregate classification.

Dr. Peter K. Rogan Lab, Western University
No classification provided (evidence only). Condition: Ovarian serous cystadenocarcinoma. Review status: no classification provided. Collection method: in vitro. Allele origin: not applicable. Functional consequence: retained intron. Not counted in ClinVar's aggregate classification.

Dr. Peter K. Rogan Lab, Western University
No classification provided (evidence only). Condition: Ovarian serous cystadenocarcinoma. Review status: no classification provided. Collection method: in vitro. Allele origin: not applicable. Functional consequence: retained intron. Not counted in ClinVar's aggregate classification.

Dr. Peter K. Rogan Lab, Western University
No classification provided (evidence only). Condition: Ovarian serous cystadenocarcinoma. Review status: no classification provided. Collection method: in vitro. Allele origin: not applicable. Functional consequence: retained intron. Not counted in ClinVar's aggregate classification.

Dr. Peter K. Rogan Lab, Western University
No classification provided (evidence only). Condition: Ovarian serous cystadenocarcinoma. Review status: no classification provided. Collection method: in vitro. Allele origin: not applicable. Functional consequence: retained intron. Not counted in ClinVar's aggregate classification.

Literature cited by the submitters: PubMed 16199547 (cited by Labcorp Genetics (formerly Invitae), Labcorp); PubMed 27405666 (cited by Labcorp Genetics (formerly Invitae), Labcorp).